The following is an entry in ClinVar:

ClinVar aggregate classification (germline): Uncertain significance (1 of 4 stars; one submission).

Conditions:
Inborn genetic diseases. Identifiers: MedGen C0950123, MeSH D030342.

Allele frequency attached by ClinVar (database versions not stated): TOPMed below 0.00001.

Submission:

Ambry Genetics
Classification: Uncertain significance for Inborn genetic diseases. Last evaluated: 2022-08-09. Review status: criteria provided, single submitter. Criteria: Ambry Variant Classification Scheme 2023. Collection method: clinical testing. Allele origin: germline.
Comment: The p.L233S variant (also known as c.698T>C), located in coding exon 3 of the PIK3CA gene, results from a T to C substitution at nucleotide position 698. The leucine at codon 233 is replaced by serine, an amino acid with dissimilar properties. This amino acid position is conserved. In addition, the in silico prediction for this alteration is inconclusive. Since supporting evidence is limited at this time, the clinical significance of this alteration remains unclear.

NM_006218.4(PIK3CA):c.698T>C (p.Leu233Ser)

Gene: PIK3CA (phosphatidylinositol-4,5-bisphosphate 3-kinase catalytic subunit alpha; plus strand). Cytogenetic location: 3q26.32.
Variant type: single nucleotide variant.
Coding change: c.698T>C on transcript NM_006218.4 (MANE Select); coding-DNA position 698, T replaced by C.
Protein change: p.Leu233Ser; replaces leucine 233 with serine.
Molecular consequence: missense variant.
Genome position (GRCh38, 1-based): chr3:179,201,425, T>C. VCF-style: chr3-179201425-T-C. GRCh37 (hg19) VCF-style: chr3-178919213-T-C.
Other names: short protein forms L233S.
Identifiers: ClinVar variation 1756474 (VCV001756474.2), dbSNP rs1724406526, ClinGen allele CA355277268.
Genomic context (GRCh38, chr3:179,201,425, plus strand): 5'-ATGACTGTGTACCAGAACAAGTAATTGCTGAAGCAATCAGGAAAAAAACTCGAAGTATGT[T>C]GCTATCCTCTGAACAACTAAAACTCTGTGTTTTAGAATATCAGGGCAAGTATATTTTAAA-3'
Protein context (NP_006209.2, residues 223-243): EAIRKKTRSM[Leu233Ser]LSSEQLKLCV